The following is an entry in ClinVar:

NM_000138.5(FBN1):c.1141G>A (p.Ala381Thr)

Genes: FBN1 (fibrillin 1; minus strand), LOC113939944 (Sharpr-MPRA regulatory region 9539; plus strand). Cytogenetic location: 15q21.1.
Variant type: single nucleotide variant.
Coding change: c.1141G>A on transcript NM_000138.5 (MANE Select); coding-DNA position 1141, G replaced by A.
Protein change: p.Ala381Thr; replaces alanine 381 with threonine.
Molecular consequence: missense variant.
Genome position (GRCh38, 1-based): chr15:48,520,665, C>T on the plus strand (G>A on the coding strand, the complement: FBN1 is on the minus strand). VCF-style: chr15-48520665-C-T. GRCh37 (hg19) VCF-style: chr15-48812862-C-T.
Other names: c.1141G>A, p.Ala381Thr (NM_001406716.1); short protein forms A381T.
Identifiers: ClinVar variation 3072974 (VCV003072974.1), dbSNP rs2505628635, ClinGen allele CA392347027.

ClinVar aggregate classification (germline): Uncertain significance (1 of 4 stars; one submission).

Conditions:
Marfan syndrome (MFS). Also called: MARFAN SYNDROME, TYPE I; Marfan syndrome type 1; Marfan's syndrome; Marfan syndrome, classic; FBN1-Related Marfan Syndrome. Identifiers: Orphanet 284963, Orphanet 558, MedGen C0024796, MONDO:0007947, OMIM 154700.

Submission:

All of Us Research Program, National Institutes of Health
Classification: Uncertain significance for Marfan syndrome. Last evaluated: 2023-08-15. Review status: criteria provided, single submitter. Criteria: ACMG Guidelines, 2015. Collection method: clinical testing. Allele origin: germline. Inheritance: Autosomal dominant inheritance. Observed: 1 variant allele, 1 heterozygote.
Comment: This missense variant replaces alanine with threonine at codon 381 of the FBN1 protein. Computational prediction suggests that this variant may not impact protein structure and function (internally defined REVEL score threshold <= 0.5, PMID: 27666373). To our knowledge, functional studies have not been reported for this variant. This variant has not been reported in individuals affected with FBN1-related disorders in the literature. This variant has not been identified in the general population by the Genome Aggregation Database (gnomAD). The available evidence is insufficient to determine the role of this variant in disease conclusively. Therefore, this variant is classified as a Variant of Uncertain Significance.

This study involves interpretation of variants in research participants for the purpose of population health screening. Participant phenotype was not available at the time of variant classification. Additional details can be found in publication PMID: 35346344, PMCID: PMC8962531